The following is an entry in ClinVar:

NM_032242.4(PLXNA1):c.3849C>G (p.Leu1283=)

Gene: PLXNA1 (plexin A1; plus strand). Cytogenetic location: 3q21.3.
Variant type: single nucleotide variant.
Coding change: c.3849C>G on transcript NM_032242.4 (MANE Select); coding-DNA position 3849, C replaced by G.
Protein change: p.Leu1283=; no amino-acid change (leucine 1283 retained).
Molecular consequence: synonymous variant.
Genome position (GRCh38, 1-based): chr3:127,018,482, C>G. VCF-style: chr3-127018482-C-G. GRCh37 (hg19) VCF-style: chr3-126737325-C-G.
Identifiers: ClinVar variation 3051549 (VCV003051549.3), dbSNP rs141143687, ClinGen allele CA2594161.

ClinVar aggregate classification (germline): Likely benign. Review status: criteria provided, single submitter (1 of 4 stars). 2 submissions from 2 submitters: Likely benign (1). 1 of the submissions does not count toward it. Last evaluated 2025-09-16.

Conditions:
PLXNA1-related disorder. Also called: PLXNA1-related condition.

Allele frequency attached by ClinVar (database versions not stated): gnomAD exomes 0.00003; ExAC 0.00017; 1000 Genomes Project 30x 0.00031; gnomAD 0.00035; 1000 Genomes Project 0.00040; TOPMed 0.00043; ESP Exome Variant Server 0.00077.
gnomAD v4.1: 97 of 1,612,372 alleles (0.006%); highest among the groups gnomAD compares: African/African-American, 0.12%; no homozygotes.

Submissions (2):

Labcorp Genetics (formerly Invitae), Labcorp
Classification: Likely benign. Last evaluated: 2025-09-16. Review status: criteria provided, single submitter. Criteria: Invitae Variant Classification Sherloc (09022015). Collection method: clinical testing. Allele origin: germline.

PreventionGenetics, part of Exact Sciences
Classification: Likely benign for PLXNA1-related condition. Last evaluated: 2022-03-25. Review status: no assertion criteria provided. Collection method: clinical testing. Allele origin: germline. Not counted in ClinVar's aggregate classification.
Comment: This variant is classified as likely benign based on ACMG/AMP sequence variant interpretation guidelines (Richards et al. 2015 PMID: 25741868, with internal and published modifications).